The following is an entry in ClinVar:

NM_001399.5(EDA):c.457C>T (p.Arg153Cys)

Gene: EDA (ectodysplasin A; plus strand). Cytogenetic location: Xq13.1.
Variant type: single nucleotide variant.
Coding change: c.457C>T on transcript NM_001399.5 (MANE Select); coding-DNA position 457, C replaced by T.
Protein change: p.Arg153Cys; replaces arginine 153 with cysteine.
Molecular consequence: missense variant.
Genome position (GRCh38, 1-based): chrX:69,957,087, C>T. VCF-style: chrX-69957087-C-T. GRCh37 (hg19) VCF-style: chrX-69176937-C-T.
Other names: c.457C>T, p.Arg153Cys (NM_001005609.2, NM_001005612.3); short protein forms R153C.
Identifiers: ClinVar variation 44193 (VCV000044193.27), dbSNP rs397516662, ClinGen allele CA261490.

ClinVar aggregate classification (germline): Pathogenic. Review status: criteria provided, multiple submitters, no conflicts (2 of 4 stars). 11 submissions from 11 submitters: Pathogenic (10). 1 of the submissions does not count toward it. Last evaluated 2026-05-29.

Conditions:
EDA-related disorder. Also called: EDA-related condition; EDA-related disorders.
Hypohidrotic X-linked ectodermal dysplasia (XHED). Also called: ECTODERMAL DYSPLASIA, HYPOHIDROTIC, 1; CST SYNDROME; Christ-Siemans-Touraine syndrome; ECTODERMAL DYSPLASIA 1; Ectodermal Dysplasia 1, Anhidrotic; ECTODERMAL DYSPLASIA 1, HYPOHIDROTIC, X-LINKED. Identifiers: Orphanet 181, Orphanet 238468, MedGen C0162359, MONDO:0010585, OMIM 305100.
Anhidrotic ectodermal dysplasia. Identifiers: MedGen C1706004, HP:0007476.

gnomAD v4.1: 1 of 1,211,272 alleles (0.000083%); no homozygotes.

Submissions (13):

Victorian Clinical Genetics Services, Murdoch Childrens Research Institute
Classification: Pathogenic for Hypohidrotic X-linked ectodermal dysplasia. Last evaluated: 2026-05-29. Review status: criteria provided, single submitter. Criteria: ACMG Guidelines, 2015. Collection method: clinical testing. Allele origin: germline. Affected: no.
Comment: This variant is classified as Pathogenic. Evidence in support of pathogenic classification: Variant is absent from gnomAD (both v2 and v3); This variant has strong previous evidence of pathogenicity in unrelated individuals. This variant has been classified as pathogenic by multiple clinical laboratories in ClinVar, and has been reported in at least one individual with hypohidrotic ectodermal dysplasia (PMID: 32176048). Evidence in support of benign classification: Missense variant consistently predicted to be tolerated by multiple in silico tools or not conserved in placental mammals with a minor amino acid change. Additional information: Variant is predicted to result in a missense amino acid change from Arg to Cys; This variant is heterozygous; This gene is associated with both X-linked recessive and dominant disease. Female carriers of variants causing either condition may be normal or mildly affected, depending on skewed X-inactivation (PMID: 18510547, 16583127); An alternative amino acid change at the same position has been observed in gnomAD (v2) (260 heterozygotes, 2 homozygotes, 252 hemizygotes); Variant is not located in an established domain, motif, hotspot or informative constraint region; Loss of function is a known mechanism of disease in this gene and is associated with X-linked ectodermal dysplasia 1, hypohidrotic (HED; MIM#305100) and X-linked dominant tooth agenesis, selective 1 (TA; MIM#313500).

Labcorp Genetics (formerly Invitae), Labcorp
Classification: Pathogenic for Hypohidrotic X-linked ectodermal dysplasia. Last evaluated: 2025-07-28. Review status: criteria provided, single submitter. Criteria: Invitae Variant Classification Sherloc (09022015). Collection method: clinical testing. Allele origin: germline.
Comment: This sequence change replaces arginine, which is basic and polar, with cysteine, which is neutral and slightly polar, at codon 153 of the EDA protein (p.Arg153Cys). This variant is not present in population databases (gnomAD no frequency). This missense change has been observed in individual(s) with ectodermal dysplasia (PMID: 11279189, 20236127, 21357618, 21457804, 22875504, 24312213). ClinVar contains an entry for this variant (Variation ID: 44193). Invitae Evidence Modeling of protein sequence and biophysical properties (such as structural, functional, and spatial information, amino acid conservation, physicochemical variation, residue mobility, and thermodynamic stability) indicates that this missense variant is not expected to disrupt EDA protein function with a negative predictive value of 80%. Experimental studies have shown that this missense change affects EDA function (PMID: 11279189, 11416205). For these reasons, this variant has been classified as Pathogenic.

3billion
Classification: Pathogenic for Hypohidrotic X-linked ectodermal dysplasia. Last evaluated: 2025-07-08. Review status: criteria provided, single submitter. Criteria: ACMG Guidelines, 2015. Collection method: clinical testing. Allele origin: germline. Affected: yes.
Comment: The variant is observed at an extremely low frequency in the gnomAD v4.1.0 dataset (total allele frequency: <0.001%). Predicted Consequence/Location: Missense variant Functional studies provide moderate evidence of the variant having a damaging effect on the gene or gene product (PMID: 11279189, 11416205). In silico tool predictions suggest damaging effect of the variant on gene or gene product [3Cnet: 0.99 (> 0.75, sensitivity 0.96 and precision 0.92)]. The same nucleotide change resulting in the same amino acid change has been previously reported as pathogenic/likely pathogenic with strong evidence (ClinVar ID: VCV000044193 /PMID: 11279189 /3billion dataset). The variant has been observed in multiple (>3) similarly affected unrelated individuals (PMID: 11279189, 20236127, 21357618, 21457804, 22875504, 24312213). A different missense change at the same codon (p.Arg153His) has been reported to be associated with EDA-related disorder (PMID: 24724966). Therefore, this variant is classified as Pathogenic according to the recommendation of ACMG/AMP guideline.

Blueprint Genetics
Classification: Pathogenic for EDA-related disorders. Last evaluated: 2024-05-28. Review status: criteria provided, single submitter. Criteria: ACMG Guidelines, 2015. Collection method: clinical testing. Allele origin: germline. Affected: yes. Observed: 4 variant alleles.

Women's Health and Genetics/Laboratory Corporation of America, LabCorp
Classification: Pathogenic for Anhidrotic ectodermal dysplasia. Last evaluated: 2023-11-17. Review status: criteria provided, single submitter. Criteria: LabCorp Variant Classification Summary - May 2015. Collection method: clinical testing. Allele origin: germline.
Comment: Variant summary: EDA c.457C>T (p.Arg153Cys) results in a non-conservative amino acid change in the encoded protein sequence. Three of five in-silico tools predict a damaging effect of the variant on protein function. The variant was absent in 182427 control chromosomes (gnomAD). c.457C>T has been reported in the literature in multiple individuals affected with Hypohidrotic Ectodermal Dysplasia (e.g. Schneider_2001, Burger_2014, Wolfhart_2016, Martinez-Romero_2019), and at least one case was reported as having a de novo origin. These data indicate that the variant is very likely to be associated with disease. At least two publications reports experimental evidence evaluating an impact on protein function (Schneider_2001, Chen_2001), finding that the variant interferes with proteolytic processing. The following publications have been ascertained in the context of this evaluation (PMID: 11279189, 11416205, 24715423, 27305980, 31796081). Seven submitters have cited clinical-significance assessments for this variant to ClinVar after 2014. All submitters classified the variant as pathogenic. Based on the evidence outlined above, the variant was classified as pathogenic.

Laboratory of Medical Genetics, National & Kapodistrian University of Athens
Classification: Pathogenic for Hypohidrotic X-linked ectodermal dysplasia. Last evaluated: 2021-11-05. Review status: criteria provided, single submitter. Criteria: ACMG Guidelines, 2015. Collection method: clinical testing. Allele origin: germline. Affected: yes.
Comment: PS3, PM1, PM2, PP3, PP5

Baylor Genetics
Classification: Pathogenic for Hypohidrotic X-linked ectodermal dysplasia. Last evaluated: 2019-12-18. Review status: criteria provided, single submitter. Criteria: ACMG Guidelines, 2015. Collection method: clinical testing. Allele origin: unknown. Affected: yes.
Comment: This variant was determined to be pathogenic according to ACMG Guidelines, 2015 [PMID:25741868].

Eurofins Ntd Llc (ga)
Classification: Pathogenic. Last evaluated: 2017-06-15. Review status: criteria provided, single submitter. Criteria: EGL Classification Definitions 2015. Collection method: clinical testing. Allele origin: germline. Observed: 1 variant allele, 1 hemizygote.

Center for Pediatric Genomic Medicine, Children's Mercy Hospital and Clinics
Classification: Pathogenic. Last evaluated: 2016-06-08. Review status: criteria provided, single submitter. Criteria: ACMG Guidelines, 2015. Collection method: clinical testing. Allele origin: germline.

Laboratory for Molecular Medicine, Mass General Brigham Personalized Medicine
Classification: Pathogenic for Hypohidrotic X-linked ectodermal dysplasia. Last evaluated: 2014-04-12. Review status: criteria provided, single submitter. Criteria: LMM Criteria. Collection method: clinical testing. Allele origin: germline. Inheritance: X-linked inheritance. Observed: 2 variant alleles.
Comment: The Arg153Cys variant in EDA has been reported in at least 7 individuals with X- linked hypohidrotic ectodermal dysplasia (Schneider 2001, He 2013, Clauss 2010, Schneider 2011, LMM unpublished data) and was absent from large population studi es. Functional studies have shown that the Arg153Cys variant impacts normal prot ein function (Chen 2001). This variant is located within a critical cleavage reg ion and several other pathogenic variants in the EDA gene are also found within this region. In summary, this variant meets our criteria to be classified as pat hogenic.

Bioscientia Institut fuer Medizinische Diagnostik GmbH, Sonic Healthcare
Classification: Pathogenic for Hypohidrotic X-linked ectodermal dysplasia. Last evaluated: 2017-09-18. Review status: no assertion criteria provided. Collection method: clinical testing. Allele origin: germline. Affected: yes. Not counted in ClinVar's aggregate classification.

Dr. Peter K. Rogan Lab, Western University
No classification provided (evidence only). Condition: Thyroid cancer, nonmedullary, 1. Review status: no classification provided. Collection method: in vitro. Allele origin: not applicable. Functional consequence: retained intron. Not counted in ClinVar's aggregate classification.

Dr. Peter K. Rogan Lab, Western University
No classification provided (evidence only). Condition: Nonpapillary renal cell carcinoma. Review status: no classification provided. Collection method: in vitro. Allele origin: not applicable. Functional consequence: retained intron. Not counted in ClinVar's aggregate classification.

Literature cited by the submitters: PubMed 18510547 (cited by Victorian Clinical Genetics Services, Murdoch Childrens Research Institute); PubMed 32176048 (cited by Victorian Clinical Genetics Services, Murdoch Childrens Research Institute); PubMed 16583127 (cited by Victorian Clinical Genetics Services, Murdoch Childrens Research Institute); PubMed 11279189 (cited by 5 submitters); PubMed 20236127 (cited by 4 submitters); PubMed 21357618 (cited by 4 submitters); PubMed 21457804 (cited by Labcorp Genetics (formerly Invitae), Labcorp and 3billion); PubMed 22875504 (cited by Labcorp Genetics (formerly Invitae), Labcorp and 3billion); PubMed 24312213 (cited by 4 submitters); PubMed 11416205 (cited by 5 submitters); PubMed 24724966 (cited by 3billion); PubMed 31796081 (cited by Women's Health and Genetics/Laboratory Corporation of America, LabCorp); PubMed 24715423 (cited by Women's Health and Genetics/Laboratory Corporation of America, LabCorp); PubMed 27305980 (cited by Women's Health and Genetics/Laboratory Corporation of America, LabCorp).